The following is an entry in ClinVar:

NM_006904.7(PRKDC):c.11237G>A (p.Arg3746Lys)

Gene: PRKDC (protein kinase, DNA-activated, catalytic subunit; minus strand). Cytogenetic location: 8q11.21.
Variant type: single nucleotide variant.
Coding change: c.11237G>A on transcript NM_006904.7 (MANE Select); coding-DNA position 11237, G replaced by A.
Protein change: p.Arg3746Lys; replaces arginine 3746 with lysine.
Molecular consequence: missense variant.
Genome position (GRCh38, 1-based): chr8:47,782,537, C>T on the plus strand (G>A on the coding strand, the complement: PRKDC is on the minus strand). VCF-style: chr8-47782537-C-T. GRCh37 (hg19) VCF-style: chr8-48695098-C-T.
Other names: c.11237G>A, p.Arg3746Lys (NM_001081640.2); short protein forms R3746K.
Identifiers: ClinVar variation 939970 (VCV000939970.5), dbSNP rs765160098, ClinGen allele CA4739135.

ClinVar aggregate classification (germline): Conflicting classifications of pathogenicity. Review status: criteria provided, conflicting classifications (1 of 4 stars). 2 submissions from 2 submitters: Uncertain significance (1); Likely benign (1). Last evaluated 2022-08-16.

Conditions:
Severe combined immunodeficiency due to DNA-PKcs deficiency. Also called: IMMUNODEFICIENCY 26 WITH NEUROLOGIC ABNORMALITIES; Immunodeficiency 26 with or without neurologic abnormalities. Identifiers: Orphanet 317425, MedGen C4014833, MONDO:0014423, OMIM 615966.

Allele frequency attached by ClinVar (database versions not stated): ExAC below 0.00001; gnomAD exomes 0.00003; TOPMed 0.00003; gnomAD 0.00004.
gnomAD v4.1: 45 of 1,575,050 alleles (0.0029%); highest among the groups gnomAD compares: Admixed American, 0.0093%; no homozygotes.

Submissions (2):

Labcorp Genetics (formerly Invitae), Labcorp
Classification: Uncertain significance for Severe combined immunodeficiency due to DNA-PKcs deficiency. Last evaluated: 2022-08-16. Review status: criteria provided, single submitter. Criteria: Invitae Variant Classification Sherloc (09022015). Collection method: clinical testing. Allele origin: germline.
Comment: This sequence change replaces arginine, which is basic and polar, with lysine, which is basic and polar, at codon 3746 of the PRKDC protein (p.Arg3746Lys). This variant is present in population databases (rs765160098, gnomAD 0.01%). This variant has not been reported in the literature in individuals affected with PRKDC-related conditions. ClinVar contains an entry for this variant (Variation ID: 939970). Algorithms developed to predict the effect of missense changes on protein structure and function output the following: SIFT: "Not Available"; PolyPhen-2: "Not Available"; Align-GVGD: "Not Available". The lysine amino acid residue is found in multiple mammalian species, which suggests that this missense change does not adversely affect protein function. In summary, the available evidence is currently insufficient to determine the role of this variant in disease. Therefore, it has been classified as a Variant of Uncertain Significance.

Ambry Genetics
Classification: Likely benign. Last evaluated: 2021-07-08. Review status: criteria provided, single submitter. Criteria: Ambry Variant Classification Scheme 2023. Collection method: clinical testing. Allele origin: germline.